The following is an entry in ClinVar:

ClinVar aggregate classification (germline): Conflicting classifications of pathogenicity. Review status: criteria provided, conflicting classifications (1 of 4 stars). 5 submissions from 5 submitters: Uncertain significance (4); Benign (1). Last evaluated 2026-01-12.

Conditions:
Bethlem myopathy 1A. Also called: MYOPATHY, BENIGN CONGENITAL, WITH CONTRACTURES; Bethlem myopathy 1; Bethlem Muscular Dystrophy. Identifiers: Orphanet 610, MedGen CN029274, MONDO:0024530, OMIM 158810.
COL6A2-related disorder.

Allele frequency attached by ClinVar (database versions not stated): 1000 Genomes Project 30x 0.00016; gnomAD 0.00006; TOPMed 0.00008; 1000 Genomes Project 0.00020.

Submissions (5):

GeneDx
Classification: Uncertain significance. Last evaluated: 2026-01-12. Review status: criteria provided, single submitter. Criteria: GeneDx Variant Classification Process June 2021. Collection method: clinical testing. Allele origin: germline.
Comment: Reported in a cohort of patients with clinical suspicion of muscular dystrophies or heritable myopathies; however, patient-level details were not provided (PMID: 35175440); In silico analysis suggests that this missense variant does not alter protein structure/function; This variant is associated with the following publications: (PMID: 35175440)

Labcorp Genetics (formerly Invitae), Labcorp
Classification: Benign for Bethlem myopathy 1A. Last evaluated: 2026-01-08. Review status: criteria provided, single submitter. Criteria: Invitae Variant Classification Sherloc (09022015). Collection method: clinical testing. Allele origin: germline.

Revvity Omics, Revvity
Classification: Uncertain significance. Last evaluated: 2025-07-15. Review status: criteria provided, single submitter. Criteria: ACMG Guidelines, 2015. Collection method: clinical testing. Allele origin: germline.

PreventionGenetics, part of Exact Sciences
Classification: Uncertain significance for COL6A2-related condition. Last evaluated: 2023-05-22. Review status: criteria provided, single submitter. Criteria: ACMG Guidelines, 2015. Collection method: clinical testing. Allele origin: germline.
Comment: The COL6A2 c.1060G>A variant is predicted to result in the amino acid substitution p.Asp354Asn. To our knowledge, this variant has not been reported in the literature. This variant is reported in 0.021% of alleles in individuals of African descent in gnomAD. At this time, the clinical significance of this variant is uncertain due to the absence of conclusive functional and genetic evidence.

Eurofins Ntd Llc (ga)
Classification: Uncertain significance. Last evaluated: 2015-10-24. Review status: criteria provided, single submitter. Criteria: EGL Classification Definitions 2015. Collection method: clinical testing. Allele origin: germline. Observed: 1 variant allele, 1 heterozygote.

NM_001849.4(COL6A2):c.1060G>A (p.Asp354Asn)

Gene: COL6A2 (collagen type VI alpha 2 chain; plus strand). Cytogenetic location: 21q22.3.
Variant type: single nucleotide variant.
Coding change: c.1060G>A on transcript NM_001849.4 (MANE Select); coding-DNA position 1060, G replaced by A.
Protein change: p.Asp354Asn; replaces aspartic acid 354 with asparagine.
Molecular consequence: missense variant.
Genome position (GRCh38, 1-based): chr21:46,117,880, G>A. VCF-style: chr21-46117880-G-A. GRCh37 (hg19) VCF-style: chr21-47537794-G-A.
Other names: c.1060G>A, p.Asp354Asn (NM_058174.3, NM_058175.3); short protein forms D354N.
Identifiers: ClinVar variation 283998 (VCV000283998.19), dbSNP rs188184732, ClinGen allele CA10071676.